The following is an entry in ClinVar:

NM_006790.3(MYOT):c.387A>G (p.Ile129Met)

Genes: PKD2L2-DT (PKD2L2 divergent transcript; minus strand), MYOT (myotilin; plus strand). Cytogenetic location: 5q31.2.
Variant type: single nucleotide variant.
Coding change: c.387A>G on transcript NM_006790.3 (MANE Select); coding-DNA position 387, A replaced by G.
Protein change: p.Ile129Met; replaces isoleucine 129 with methionine.
Molecular consequence: missense variant. On other transcripts: 5 prime UTR variant (1).
Genome position (GRCh38, 1-based): chr5:137,875,859, A>G. VCF-style: chr5-137875859-A-G. GRCh37 (hg19) VCF-style: chr5-137211548-A-G.
Other names: c.-166A>G (NM_001135940.2); c.42A>G, p.Ile14Met (NM_001300911.2); short protein forms I129M, I14M.
Identifiers: ClinVar variation 464371 (VCV000464371.9), dbSNP rs1554102960, ClinGen allele CA361053974.

ClinVar aggregate classification (germline): Uncertain significance (1 of 4 stars; one submission).

Conditions:
Myofibrillar myopathy 3 (MFM3). Also called: Autosomal dominant spheroid body myopathy; Muscular dystrophy, proximal, type 1A. Identifiers: Orphanet 266, Orphanet 268129, MedGen C3714934, MONDO:0012215, OMIM 609200.

Submission:

Labcorp Genetics (formerly Invitae), Labcorp
Classification: Uncertain significance for Myofibrillar myopathy 3. Last evaluated: 2017-06-27. Review status: criteria provided, single submitter. Criteria: Invitae Variant Classification Sherloc (09022015). Collection method: clinical testing. Allele origin: germline.
Comment: In summary, the available evidence is currently insufficient to determine the role of this variant in disease. Therefore, it has been classified as a Variant of Uncertain Significance. Algorithms developed to predict the effect of missense changes on protein structure and function (SIFT, PolyPhen-2, Align-GVGD) all suggest that this variant is likely to be tolerated, but these predictions have not been confirmed by published functional studies and their clinical significance is uncertain. This variant has not been reported in the literature in individuals with MYOT-related disease. This variant is not present in population databases (ExAC no frequency). This sequence change replaces isoleucine with methionine at codon 129 of the MYOT protein (p.Ile129Met). The isoleucine residue is weakly conserved and there is a small physicochemical difference between isoleucine and methionine.